The following is an entry in ClinVar:

NM_007294.4(BRCA1):c.16C>T (p.Leu6Phe)

Gene: BRCA1 (BRCA1 DNA repair associated; minus strand). Cytogenetic location: 17q21.31.
Variant type: single nucleotide variant.
Coding change: c.16C>T on transcript NM_007294.4 (MANE Select); coding-DNA position 16, C replaced by T.
Protein change: p.Leu6Phe; replaces leucine 6 with phenylalanine.
Molecular consequence: missense variant. On other transcripts: 5 prime UTR variant (1), non-coding transcript variant (1).
Genome position (GRCh38, 1-based): chr17:43,124,081, G>A on the plus strand (C>T on the coding strand, the complement: BRCA1 is on the minus strand). VCF-style: chr17-43124081-G-A. GRCh37 (hg19) VCF-style: chr17-41276098-G-A.
Other names: c.-173C>T (NM_001407571.1, NM_001407853.1, NM_001407879.1 and 46 more transcripts); c.16C>T, p.Leu6Phe (NM_001407581.1, NM_001407582.1, NM_001407583.1 and 193 more transcripts); c.-242C>T (NM_001407694.1, NM_001407724.1, NM_001407727.1 and 11 more transcripts); c.-246C>T (NM_001407695.1, NM_001408465.1); c.-387C>T (NM_001407696.1); c.-271C>T (NM_001407697.1, NM_001407846.1, NM_001407920.1); c.-72C>T (NM_001407698.1, NM_001407732.1, NM_001407736.1 and 23 more transcripts); c.-245C>T (NM_001407725.1, NM_001407730.1, NM_001407734.1 and 22 more transcripts); and 8 more; short protein forms L6F.
Identifiers: ClinVar variation 658584 (VCV000658584.16), dbSNP rs1315262605, ClinGen allele CA10602127.

ClinVar aggregate classification (germline): Conflicting classifications of pathogenicity. Review status: criteria provided, conflicting classifications (1 of 4 stars). 4 submissions from 4 submitters: Uncertain significance (3); Likely benign (1). Last evaluated 2024-05-27.

Conditions:
Hereditary breast ovarian cancer syndrome. Also called: Hereditary breast and ovarian cancer syndrome (HBOC); Hereditary breast and ovarian cancer; BRCA1- and BRCA2-Associated Hereditary Breast and Ovarian Cancer; Breast and ovarian cancer; Hereditary breast and ovarian cancer syndrome; Hereditary breast and/or ovarian cancer syndrome. Identifiers: Orphanet 145, MedGen C0677776, MeSH D061325, MONDO:0003582. Disease mechanism: loss of function.
Breast-ovarian cancer, familial, susceptibility to, 1 (BROVCA1). Also called: OVARIAN CANCER, SUSCEPTIBILITY TO; BRCA1 Hereditary Breast and Ovarian Cancer. Identifiers: Orphanet 145, MedGen C2676676, MONDO:0011450, OMIM 604370. Disease mechanism: loss of function.
Hereditary cancer-predisposing syndrome. Also called: Hereditary neoplastic syndrome; Tumor predisposition; Hereditary Cancer Syndrome; Neoplastic Syndromes, Hereditary. Identifiers: Orphanet 140162, MedGen C0027672, MeSH D009386, MONDO:0015356.

Allele frequency attached by ClinVar (database versions not stated): gnomAD exomes below 0.00001; TOPMed below 0.00001; gnomAD 0.00001.
gnomAD v4.1: 3 of 1,613,408 alleles (0.00019%); highest among the groups gnomAD compares: Non-Finnish European, 0.00025%; no homozygotes.

Submissions (5):

Labcorp Genetics (formerly Invitae), Labcorp
Classification: Uncertain significance for Hereditary breast ovarian cancer syndrome. Last evaluated: 2024-05-27. Review status: criteria provided, single submitter. Criteria: Invitae Variant Classification Sherloc (09022015). Collection method: clinical testing. Allele origin: germline.
Comment: This sequence change replaces leucine, which is neutral and non-polar, with phenylalanine, which is neutral and non-polar, at codon 6 of the BRCA1 protein (p.Leu6Phe). This variant is present in population databases (no rsID available, gnomAD 0.0009%). This variant has not been reported in the literature in individuals affected with BRCA1-related conditions. ClinVar contains an entry for this variant (Variation ID: 658584). Advanced modeling performed at Invitae incorporating data from internal and/or published experimental studies (PMID: 30209399) indicates that this missense variant is not expected to disrupt BRCA1 function with a negative predictive value of 95%. Experimental studies have shown that this missense change does not substantially affect BRCA1 function (PMID: 30209399). In summary, the available evidence is currently insufficient to determine the role of this variant in disease. Therefore, it has been classified as a Variant of Uncertain Significance.

Baylor Genetics
Classification: Uncertain significance for Breast-ovarian cancer, familial, susceptibility to, 1. Last evaluated: 2023-10-24. Review status: criteria provided, single submitter. Criteria: ACMG Guidelines, 2015. Collection method: clinical testing. Allele origin: unknown.

Color Diagnostics, LLC DBA Color Health
Classification: Uncertain significance for Hereditary cancer-predisposing syndrome. Last evaluated: 2022-06-29. Review status: criteria provided, single submitter. Criteria: ACMG Guidelines, 2015. Collection method: clinical testing. Allele origin: germline.
Comment: This missense variant replaces leucine with phenylalanine at codon 6 of the BRCA1 protein. Computational prediction suggests that this variant may not impact protein structure and function (internally defined REVEL score threshold <= 0.5, PMID: 27666373). This variant has been reported to be functional in a haploid cell proliferation assay (PMID: 30209399). This variant has been reported in 1 individual affected with breast cancer; an exon 2 deletion in BRCA1 was also detected in this individual, but the deletion could not be confirmed (DOI: 10.5812/ijcm.60392). This variant has been identified in 1/251048 chromosomes in the general population by the Genome Aggregation Database (gnomAD). The available evidence is insufficient to determine the role of this variant in disease conclusively. Therefore, this variant is classified as a Variant of Uncertain Significance.

Ambry Genetics
Classification: Likely benign for Hereditary cancer-predisposing syndrome. Last evaluated: 2021-05-20. Review status: criteria provided, single submitter. Criteria: Ambry Variant Classification Scheme 2023. Collection method: clinical testing. Allele origin: germline.

Brotman Baty Institute, University of Washington
No classification provided (evidence only). Condition: Breast-ovarian cancer, familial 1. Review status: no classification provided. Collection method: in vitro. Allele origin: not applicable. Functional consequence: functionally_normal. Not counted in ClinVar's aggregate classification.
ClinVar note: "not provided" was previously submitted as the classification for the variant. However, the classification appeared to be based only on an observation of functional data so it was converted to no classification on 2025-07-30.

Literature cited by the submitters: PubMed 30209399 (cited by 3 submitters).